The following is an entry in ClinVar:

NM_001244008.2(KIF1A):c.207G>A (p.Ser69=)

Gene: KIF1A (kinesin family member 1A; minus strand). Cytogenetic location: 2q37.3.
Variant type: single nucleotide variant.
Coding change: c.207G>A on transcript NM_001244008.2 (MANE Select); coding-DNA position 207, G replaced by A.
Protein change: p.Ser69=; no amino-acid change (serine 69 retained).
Molecular consequence: synonymous variant.
Genome position (GRCh38, 1-based): chr2:240,788,207, C>T on the plus strand (G>A on the coding strand, the complement: KIF1A is on the minus strand). VCF-style: chr2-240788207-C-T. GRCh37 (hg19) VCF-style: chr2-241727624-C-T.
Other names: c.207G>A, p.Ser69= (NM_001320705.2, NM_001330289.2, NM_001330290.2 and 20 more transcripts); c.207G>A (NM_001244008.1).
Identifiers: ClinVar variation 1121364 (VCV001121364.10), dbSNP rs775973976, ClinGen allele CA2208849.

ClinVar aggregate classification (germline): Likely benign. Review status: criteria provided, multiple submitters, no conflicts (2 of 4 stars). 2 submissions from 2 submitters: Likely benign (2). Last evaluated 2026-03-05.

Conditions:
KIF1A-related disorder. Also called: KIF1A-related disorders; KIF1A-related condition.
Hereditary spastic paraplegia 30. Identifiers: Orphanet 101010, MedGen C5235139, MONDO:0012476.
Neuropathy, hereditary sensory, type 2C. Also called: Hereditary sensory and autonomic neuropathy type IIC; KIF1A-Related HSAN2 (HSAN2C). Identifiers: Orphanet 970, MedGen C3280168, MONDO:0013634, OMIM 614213.
Intellectual disability, autosomal dominant 9 (NESCAVS). Also called: KIF1A-Related Neurodevelopmental Disorder; NESCAV SYNDROME. Identifiers: Orphanet 662367, MedGen C5393830, MONDO:0013656, OMIM 614255.

Allele frequency attached by ClinVar (database versions not stated): gnomAD exomes 0.00001 and 0.00002; TOPMed 0.00001; ExAC 0.00003; gnomAD 0.00003.
gnomAD v4.1: 21 of 1,613,694 alleles (0.0013%); highest among the groups gnomAD compares: East Asian, 0.0045%; no homozygotes.

Submissions (2):

PreventionGenetics, part of Exact Sciences
Classification: Likely benign for KIF1A-related condition. Last evaluated: 2026-03-05. Review status: criteria provided, single submitter. Criteria: ACMG Guidelines, 2015. Collection method: clinical testing. Allele origin: germline.
Comment: This variant is classified as likely benign based on ACMG/AMP sequence variant interpretation guidelines (Richards et al. 2015 PMID: 25741868, with internal and published modifications).

Labcorp Genetics (formerly Invitae), Labcorp
Classification: Likely benign for Hereditary spastic paraplegia 30; Neuropathy, hereditary sensory, type 2C; Intellectual disability, autosomal dominant 9. Last evaluated: 2025-02-27. Review status: criteria provided, single submitter. Criteria: Invitae Variant Classification Sherloc (09022015). Collection method: clinical testing. Allele origin: germline.